The following is an entry in ClinVar:

ClinVar aggregate classification (germline): Benign. Review status: criteria provided, single submitter (1 of 4 stars). 2 submissions from 2 submitters: Benign (1). 1 of the submissions does not count toward it. Last evaluated 2021-05-18.

Conditions:
STS-related disorder. Also called: STS-related condition.

Allele frequency attached by ClinVar (database versions not stated): TOPMed 0.00004; gnomAD 0.00012; gnomAD exomes 0.00050; 1000 Genomes Project 0.00053; ExAC 0.00063; 1000 Genomes Project 30x 0.00104.
gnomAD v4.1: 307 of 1,209,461 alleles (0.025%); highest among the groups gnomAD compares: South Asian, 0.5%; 3 homozygotes.

Submissions (2):

GeneDx
Classification: Benign. Last evaluated: 2021-05-18. Review status: criteria provided, single submitter. Criteria: GeneDx Variant Classification Process June 2021. Collection method: clinical testing. Allele origin: germline. Affected: yes.
Comment: In silico analysis supports that this missense variant has a deleterious effect on protein structure/function; Has not been previously published as pathogenic or benign to our knowledge

PreventionGenetics, part of Exact Sciences
Classification: Likely benign for STS-related condition. Last evaluated: 2019-04-26. Review status: no assertion criteria provided. Collection method: clinical testing. Allele origin: germline. Not counted in ClinVar's aggregate classification.
Comment: This variant is classified as likely benign based on ACMG/AMP sequence variant interpretation guidelines (Richards et al. 2015 PMID: 25741868, with internal and published modifications).

NM_001320752.2(STS):c.1157G>C (p.Gly386Ala)

Gene: STS (steroid sulfatase; plus strand). Cytogenetic location: Xp22.31.
Variant type: single nucleotide variant.
Coding change: c.1157G>C on transcript NM_001320752.2 (MANE Select); coding-DNA position 1157, G replaced by C.
Protein change: p.Gly386Ala; replaces glycine 386 with alanine.
Molecular consequence: missense variant.
Genome position (GRCh38, 1-based): chrX:7,325,414, G>C. VCF-style: chrX-7325414-G-C. GRCh37 (hg19) VCF-style: chrX-7243455-G-C.
Other names: c.1157G>C, p.Gly386Ala (NM_000351.7, NM_001320753.2, NM_001320754.2); c.1193G>C, p.Gly398Ala (NM_001320750.3, NM_001320751.2); c.1172G>C (NM_000351.5); short protein forms G386A, G398A.
Identifiers: ClinVar variation 1274159 (VCV001274159.3), dbSNP rs780720545, ClinGen allele CA10342121.